The following is an entry in ClinVar:

NM_001267550.2(TTN):c.49225A>G (p.Asn16409Asp)

Genes: TTN (titin; minus strand), TTN-AS1 (TTN antisense RNA 1; plus strand), LOC126806426 (BRD4-independent group 4 enhancer GRCh37_chr2:179478848-179480047; plus strand). Cytogenetic location: 2q31.2.
Variant type: single nucleotide variant.
Coding change: c.49225A>G on transcript NM_001267550.2 (MANE Select); coding-DNA position 49225, A replaced by G.
Protein change: p.Asn16409Asp; replaces asparagine 16409 with aspartic acid.
Molecular consequence: missense variant. On other transcripts: non-coding transcript variant (1).
Genome position (GRCh38, 1-based): chr2:178,614,172, T>C on the plus strand (A>G on the coding strand, the complement: TTN is on the minus strand). VCF-style: chr2-178614172-T-C. GRCh37 (hg19) VCF-style: chr2-179478899-T-C.
Other names: c.44302A>G, p.Asn14768Asp (NM_001256850.1); c.22030A>G, p.Asn7344Asp (NM_003319.4); c.41521A>G, p.Asn13841Asp (NM_133378.4); c.22405A>G, p.Asn7469Asp (NM_133432.3); c.22606A>G, p.Asn7536Asp (NM_133437.4); short protein forms N13841D, N14768D, N16409D, N7344D, N7469D, N7536D.
Identifiers: ClinVar variation 3358057 (VCV003358057.1).
Genomic context (GRCh38, chr2:178,614,172, plus strand): 5'-TTTCTGCAGCAACTCTGAAGATGTACTCTTTATTGGGGATTAATTTGGTGGCCTTGAAGT[T>C]TGTATCCTTGACGGTGGATGAGAGCTTGTGCCACACTTCACTATCAGTTGCTCGTCTCTC-3'
Protein context (NP_001254479.2, residues 16399-16419): HKLSSTVKDT[Asn16409Asp]FKATKLIPNK

ClinVar aggregate classification (germline): Uncertain significance (0 of 4 stars; one submission).

Conditions:
TTN-related disorder. Also called: TTN-related condition; TTN-related disease; TTN-related disorders.

gnomAD v4.1: 2 of 1,612,382 alleles (0.00012%); highest among the groups gnomAD compares: Non-Finnish European, 0.00017%; no homozygotes.

Submission:

PreventionGenetics, part of Exact Sciences
Classification: Uncertain significance for TTN-related condition. Last evaluated: 2024-05-10. Review status: no assertion criteria provided. Collection method: clinical testing. Allele origin: germline.
Comment: The TTN c.49225A>G variant is predicted to result in the amino acid substitution p.Asn16409Asp. To our knowledge, this variant has not been reported in the literature. This variant is reported in 0.0% of alleles in individuals of African descent in gnomAD. At this time, the clinical significance of this variant is uncertain due to the absence of conclusive functional and genetic evidence.